The following is an entry in ClinVar:

NM_002485.5(NBN):c.653G>T (p.Arg218Ile)

Gene: NBN (nibrin; minus strand). Cytogenetic location: 8q21.3.
Variant type: single nucleotide variant.
Coding change: c.653G>T on transcript NM_002485.5 (MANE Select); coding-DNA position 653, G replaced by T.
Protein change: p.Arg218Ile; replaces arginine 218 with isoleucine.
Molecular consequence: missense variant.
Genome position (GRCh38, 1-based): chr8:89,971,222, C>A on the plus strand (G>T on the coding strand, the complement: NBN is on the minus strand). VCF-style: chr8-89971222-C-A. GRCh37 (hg19) VCF-style: chr8-90983450-C-A.
Other names: c.407G>T, p.Arg136Ile (NM_001024688.3); short protein forms R218I, R136I.
Identifiers: ClinVar variation 185527 (VCV000185527.21), dbSNP rs786202250, ClinGen allele CA192192.
Genomic context (GRCh38, chr8:89,971,222, plus strand): 5'-AACATAATTACCTGTTTGGCATTCAAAAATATAAATGTTTTCCCTTTGAAGATTTGTTTT[C>A]TTTCCTGCCGTCCTGACAGATCAACATTTTTACTTCCAATAGATGGTTCATCAAGAGGTG-3'
Protein context (NP_002476.2, residues 208-228): KNVDLSGRQE[Arg218Ile]KQIFKGKTFI

ClinVar aggregate classification (germline): Uncertain significance. Review status: criteria provided, multiple submitters, no conflicts (2 of 4 stars). 3 submissions from 3 submitters: Uncertain significance (3). Last evaluated 2025-12-15.

Conditions:
Hereditary cancer-predisposing syndrome. Also called: Tumor predisposition; Hereditary Cancer Syndrome; Hereditary neoplastic syndrome; Neoplastic Syndromes, Hereditary. Identifiers: Orphanet 140162, MedGen C0027672, MeSH D009386, MONDO:0015356.
Microcephaly, normal intelligence and immunodeficiency (NBS). Also called: IMMUNODEFICIENCY, MICROCEPHALY, AND CHROMOSOMAL INSTABILITY; SEEMANOVA SYNDROME II; Nijmegen breakage syndrome; Microcephaly with normal intelligence immunodeficiency and lymphoreticular malignancies; Nonsyndromal microcephaly autosomal recessive with normal intelligence; Seemanova syndrome 2. Identifiers: Orphanet 647, MedGen C0398791, MONDO:0009623, OMIM 251260.

Submissions (3):

Labcorp Genetics (formerly Invitae), Labcorp
Classification: Uncertain significance for Microcephaly, normal intelligence and immunodeficiency. Last evaluated: 2025-12-15. Review status: criteria provided, single submitter. Criteria: Invitae Variant Classification Sherloc (09022015). Collection method: clinical testing. Allele origin: germline.
Comment: This sequence change replaces arginine, which is basic and polar, with isoleucine, which is neutral and non-polar, at codon 218 of the NBN protein (p.Arg218Ile). This variant is not present in population databases (gnomAD no frequency). This variant has not been reported in the literature in individuals affected with NBN-related conditions. ClinVar contains an entry for this variant (Variation ID: 185527). An algorithm developed to predict the effect of missense changes on protein structure and function (PolyPhen-2) suggests that this variant is likely to be disruptive. In summary, the available evidence is currently insufficient to determine the role of this variant in disease. Therefore, it has been classified as a Variant of Uncertain Significance.

Ambry Genetics
Classification: Uncertain significance for Hereditary cancer-predisposing syndrome. Last evaluated: 2025-09-12. Review status: criteria provided, single submitter. Criteria: Ambry Variant Classification Scheme 2023. Collection method: clinical testing. Allele origin: germline.
Comment: The p.R218I variant (also known as c.653G>T), located in coding exon 6 of the NBN gene, results from a G to T substitution at nucleotide position 653. The arginine at codon 218 is replaced by isoleucine, an amino acid with similar properties. This amino acid position is highly conserved in available vertebrate species. In addition, this alteration is predicted to be deleterious by in silico analysis. Since supporting evidence is limited at this time, the clinical significance of this alteration remains unclear.

Genome-Nilou Lab
Classification: Uncertain significance for Microcephaly, normal intelligence and immunodeficiency. Last evaluated: 2021-11-07. Review status: criteria provided, single submitter. Criteria: ACMG Guidelines, 2015. Collection method: clinical testing. Allele origin: germline. Affected: no.